The following is an entry in ClinVar:

NM_006031.6(PCNT):c.7680G>A (p.Leu2560=)

Gene: PCNT (pericentrin; plus strand). Cytogenetic location: 21q22.3.
Variant type: single nucleotide variant.
Coding change: c.7680G>A on transcript NM_006031.6 (MANE Select); coding-DNA position 7680, G replaced by A.
Protein change: p.Leu2560=; no amino-acid change (leucine 2560 retained).
Molecular consequence: synonymous variant.
Genome position (GRCh38, 1-based): chr21:46,428,580, G>A. VCF-style: chr21-46428580-G-A. GRCh37 (hg19) VCF-style: chr21-47848494-G-A.
Other names: c.7326G>A, p.Leu2442= (NM_001315529.2).
Identifiers: ClinVar variation 4986090 (VCV004986090.1).

ClinVar aggregate classification (germline): Likely benign (1 of 4 stars; one submission).

Conditions:
PCNT-related disorder. Also called: PCNT-related condition.

Submission:

PreventionGenetics, part of Exact Sciences
Classification: Likely benign for PCNT-related condition. Last evaluated: 2026-08-17. Review status: criteria provided, single submitter. Criteria: ACMG Guidelines, 2015. Collection method: clinical testing. Allele origin: germline.
Comment: This variant is classified as likely benign based on ACMG/AMP sequence variant interpretation guidelines (Richards et al. 2015 PMID: 25741868, with internal and published modifications).